The following is an entry in ClinVar:

ClinVar aggregate classification (germline): Likely benign. Review status: criteria provided, multiple submitters, no conflicts (2 of 4 stars). 6 submissions from 6 submitters: Likely benign (4). 2 of the submissions do not count toward it. Last evaluated 2025-07-23.

Conditions:
CAPN3-related disorder. Also called: CAPN3-related disorders; CAPN3-related condition. Identifiers: MedGen CN239245.
Autosomal recessive limb-girdle muscular dystrophy type 2A (LGMDR1). Also called: Muscular dystrophy, limb-girdle, type 2A, Amish; Limb-girdle muscular dystrophy, type 2A; Calpainopathy; LEYDEN-MOEBIUS MUSCULAR DYSTROPHY; MUSCULAR DYSTROPHY, PELVOFEMORAL. Identifiers: Orphanet 267, MedGen C1869123, MONDO:0009675, OMIM 253600. Disease mechanism: loss of function.

Allele frequency attached by ClinVar (database versions not stated): TOPMed 0.00001; gnomAD 0.00002 and 0.00003; gnomAD exomes 0.00003; ExAC 0.00013.

Submissions (6):

Women's Health and Genetics/Laboratory Corporation of America, LabCorp
Classification: Likely benign. Last evaluated: 2025-07-23. Review status: criteria provided, single submitter. Criteria: LabCorp Variant Classification Summary - May 2015. Collection method: clinical testing. Allele origin: germline.

Labcorp Genetics (formerly Invitae), Labcorp
Classification: Likely benign for Autosomal recessive limb-girdle muscular dystrophy type 2A. Last evaluated: 2025-04-04. Review status: criteria provided, single submitter. Criteria: Invitae Variant Classification Sherloc (09022015). Collection method: clinical testing. Allele origin: germline.

CeGaT Center for Human Genetics Tuebingen
Classification: Likely benign. Last evaluated: 2025-01-01. Review status: criteria provided, single submitter. Criteria: CeGaT Center For Human Genetics Tuebingen Variant Classification Criteria Version 2. Collection method: clinical testing. Allele origin: germline. Affected: yes. Observed: 1 variant allele.
Comment: CAPN3: BP4, BP7

Blueprint Genetics
Classification: Likely benign. Last evaluated: 2024-07-11. Review status: criteria provided, single submitter. Criteria: ACMG Guidelines, 2015. Collection method: clinical testing. Allele origin: germline.

PreventionGenetics, part of Exact Sciences
Classification: Likely benign for CAPN3-related condition. Last evaluated: 2023-05-04. Review status: no assertion criteria provided. Collection method: clinical testing. Allele origin: germline. Not counted in ClinVar's aggregate classification.
Comment: This variant is classified as likely benign based on ACMG/AMP sequence variant interpretation guidelines (Richards et al. 2015 PMID: 25741868, with internal and published modifications).

Natera, Inc.
Classification: Uncertain significance for Limb-girdle muscular dystrophy type 2A. Last evaluated: 2020-04-17. Review status: no assertion criteria provided. Collection method: clinical testing. Allele origin: germline. Not counted in ClinVar's aggregate classification.

NM_000070.3(CAPN3):c.1077G>A (p.Pro359=)

Gene: CAPN3 (calpain 3; plus strand). Cytogenetic location: 15q15.1.
Variant type: single nucleotide variant.
Coding change: c.1077G>A on transcript NM_000070.3 (MANE Select); coding-DNA position 1077, G replaced by A.
Protein change: p.Pro359=; no amino-acid change (proline 359 retained).
Molecular consequence: synonymous variant.
Genome position (GRCh38, 1-based): chr15:42,394,303, G>A. VCF-style: chr15-42394303-G-A. GRCh37 (hg19) VCF-style: chr15-42686501-G-A.
Other names: c.1077G>A, p.Pro359= (NM_024344.2); c.933G>A, p.Pro311= (NM_173087.2).
Identifiers: ClinVar variation 771630 (VCV000771630.29), dbSNP rs759384108, ClinGen allele CA7511242.